The following is an entry in ClinVar:

ClinVar aggregate classification (germline): Uncertain significance (1 of 4 stars; one submission).

Conditions:
Inborn genetic diseases. Identifiers: MedGen C0950123, MeSH D030342.

Allele frequency attached by ClinVar (database versions not stated): gnomAD exomes below 0.00001.
gnomAD v4.1: 1 of 1,614,086 alleles (0.000062%); highest among the groups gnomAD compares: Non-Finnish European, 0.000085%; no homozygotes.

Submission:

Ambry Genetics
Classification: Uncertain significance for Inborn genetic diseases. Last evaluated: 2021-12-16. Review status: criteria provided, single submitter. Criteria: Ambry Variant Classification Scheme 2023. Collection method: clinical testing. Allele origin: germline.
Comment: The p.I925V variant (also known as c.2773A>G), located in coding exon 22 of the SBF2 gene, results from an A to G substitution at nucleotide position 2773. The isoleucine at codon 925 is replaced by valine, an amino acid with highly similar properties. This amino acid position is conserved. In addition, this alteration is predicted to be tolerated by in silico analysis. Since supporting evidence is limited at this time, the clinical significance of this alteration remains unclear.

NM_030962.4(SBF2):c.2773A>G (p.Ile925Val)

Genes: SBF2 (SET binding factor 2; minus strand), LOC101928008 (uncharacterized LOC101928008; plus strand). Cytogenetic location: 11p15.4.
Variant type: single nucleotide variant.
Coding change: c.2773A>G on transcript NM_030962.4 (MANE Select); coding-DNA position 2773, A replaced by G.
Protein change: p.Ile925Val; replaces isoleucine 925 with valine.
Molecular consequence: missense variant.
Genome position (GRCh38, 1-based): chr11:9,850,056, T>C on the plus strand (A>G on the coding strand, the complement: SBF2 is on the minus strand). VCF-style: chr11-9850056-T-C. GRCh37 (hg19) VCF-style: chr11-9871603-T-C.
Other names: c.2773A>G, p.Ile925Val (NM_001386339.1); c.2644A>G, p.Ile882Val (NM_001386342.1); short protein forms I882V, I925V.
Identifiers: ClinVar variation 1795826 (VCV001795826.2), dbSNP rs2494824727, ClinGen allele CA379635422.
Genomic context (GRCh38, chr11:9,850,056, plus strand): 5'-ATGTTCTGATGGCATATCGAGTCATACCTAACTGATCATGGGGTGTTCCTCTGAAGAGAA[T>C]TCTGTATGTGGTGAGGAACAAGGCTCCTTCTGCTGGCAGGAGCTGAGGGCCTCCAAGAAG-3'
Protein context (NP_112224.1, residues 915-935): EGALFLTTYR[Ile925Val]LFRGTPHDQL